The following is an entry in ClinVar:

ClinVar aggregate classification (germline): Pathogenic (1 of 4 stars; one submission).

Conditions:
Argininosuccinate lyase deficiency. Also called: ARGININOSUCCINIC ACID LYASE DEFICIENCY; ASL DEFICIENCY; Argininosuccinic aciduria. Identifiers: Orphanet 23, MedGen C0268547, MONDO:0008815, OMIM 207900, HP:0025630.

Submission:

Myriad Genetics, Inc.
Classification: Pathogenic for Argininosuccinate lyase deficiency. Last evaluated: 2023-09-27. Review status: criteria provided, single submitter. Criteria: Myriad Autosomal Dominant, Autosomal Recessive and X-Linked Classification Criteria (2023). Collection method: clinical testing. Allele origin: unknown.
Comment: NM_001024943.1(ASL):c.736dupG(A246Gfs*89) is expected to be pathogenic in the context of argininosuccinic aciduria. This variant is predicted to lead to an abnormal or absent protein product due to the creation of a premature termination codon in ASL, a gene where loss-of-function variants are known to be pathogenic. Please note: this variant was assessed in the context of healthy population screening.

NM_000048.4(ASL):c.736dup (p.Ala246fs)

Gene: ASL (argininosuccinate lyase; plus strand). Cytogenetic location: 7q11.21.
Variant type: Duplication.
Coding change: c.736dup on transcript NM_000048.4 (MANE Select); coding-DNA position 736, one base duplicated (G; older notation c.736dupG).
Protein change: p.Ala246fs; shifts the reading frame from alanine 246.
Molecular consequence: frameshift variant.
Genome position (GRCh38, 1-based): chr7:66,088,824, G duplicated; the last of 3 consecutive G bases (chr7:66,088,822-66,088,824); duplicating any one gives the same sequence. VCF-style (leftmost placement, unchanged base first): chr7-66088821-T-TG. GRCh37 (hg19) VCF-style: chr7-65553808-T-TG.
Other names: c.736dup, p.Ala246fs (NM_001024943.2, NM_001024944.2); c.658dup, p.Ala220fs (NM_001024946.2); short protein forms A220fs, A246fs.
Identifiers: ClinVar variation 5012239 (VCV005012239.1).